The following is an entry in ClinVar:

ClinVar aggregate classification (germline): Likely benign. Review status: criteria provided, multiple submitters, no conflicts (2 of 4 stars). 4 submissions from 4 submitters: Likely benign (4). Last evaluated 2026-03-01.

Conditions:
Cardiovascular phenotype. Identifiers: MedGen CN230736.
Autosomal recessive limb-girdle muscular dystrophy type 2J (LGMDR10). Also called: Limb-girdle muscular dystrophy, type 2J; MUSCULAR DYSTROPHY, LIMB-GIRDLE, AUTOSOMAL RECESSIVE 10. Identifiers: Orphanet 140922, MedGen C1837342, MONDO:0012127, OMIM 608807.
Dilated cardiomyopathy 1G (CMD1G). Identifiers: Orphanet 154, MedGen C1858763, MONDO:0011400, OMIM 604145.

Allele frequency attached by ClinVar (database versions not stated): gnomAD exomes below 0.00001 and 0.00002; ExAC 0.00001; TOPMed 0.00002; gnomAD 0.00003.
gnomAD v4.1: 37 of 1,599,888 alleles (0.0023%); highest among the groups gnomAD compares: Non-Finnish European, 0.0028%; no homozygotes.

Submissions (4):

CeGaT Center for Human Genetics Tuebingen
Classification: Likely benign. Last evaluated: 2026-03-01. Review status: criteria provided, single submitter. Criteria: CeGaT Center For Human Genetics Tuebingen Variant Classification Criteria Version 2. Collection method: clinical testing. Allele origin: germline. Affected: yes. Observed: 2 variant alleles.
Comment: TTN: BP4, BP7

Labcorp Genetics (formerly Invitae), Labcorp
Classification: Likely benign for Dilated cardiomyopathy 1G; Autosomal recessive limb-girdle muscular dystrophy type 2J. Last evaluated: 2023-06-30. Review status: criteria provided, single submitter. Criteria: Invitae Variant Classification Sherloc (09022015). Collection method: clinical testing. Allele origin: germline.

GeneDx
Classification: Likely benign. Last evaluated: 2021-02-16. Review status: criteria provided, single submitter. Criteria: GeneDx Variant Classification Process June 2021. Collection method: clinical testing. Allele origin: germline. Affected: yes.

Ambry Genetics
Classification: Likely benign for Cardiovascular phenotype. Last evaluated: 2018-04-22. Review status: criteria provided, single submitter. Criteria: Ambry Variant Classification Scheme 2023. Collection method: clinical testing. Allele origin: germline.

NM_001267550.2(TTN):c.63483A>G (p.Glu21161=)

Genes: TTN (titin; minus strand), TTN-AS1 (TTN antisense RNA 1; plus strand). Cytogenetic location: 2q31.2.
Variant type: single nucleotide variant.
Coding change: c.63483A>G on transcript NM_001267550.2 (MANE Select); coding-DNA position 63483, A replaced by G.
Protein change: p.Glu21161=; no amino-acid change (glutamic acid 21161 retained).
Molecular consequence: synonymous variant.
Genome position (GRCh38, 1-based): chr2:178,587,924, T>C on the plus strand (A>G on the coding strand, the complement: TTN is on the minus strand). VCF-style: chr2-178587924-T-C. GRCh37 (hg19) VCF-style: chr2-179452651-T-C.
Other names: c.58560A>G, p.Glu19520= (NM_001256850.1); c.36288A>G, p.Glu12096= (NM_003319.4); c.55779A>G, p.Glu18593= (NM_133378.4); c.36663A>G, p.Glu12221= (NM_133432.3); c.36864A>G, p.Glu12288= (NM_133437.4).
Identifiers: ClinVar variation 391270 (VCV000391270.18), dbSNP rs747885095, ClinGen allele CA1992083.
Genomic context (GRCh38, chr2:178,587,924, plus strand): 5'-GTGTGAATGAATCACATGCTAAGGGAAGGACTTACCTAGTATTTCTTTAGGTTTGATAGC[T>C]TCCTTTAGCTCTGCAGGGCGCCCAATACCAACTTGGTTTTGGGCACACACCCTGAACTCA-3'
Protein context (NP_001254479.2, residues 21151-21171): VGIGRPAELK[Glu21161=]AIKPKEILEP